The following is an entry in ClinVar:

NM_198994.3(TGM6):c.334T>C (p.Tyr112His)

Gene: TGM6 (transglutaminase 6; plus strand). Cytogenetic location: 20p13.
Variant type: single nucleotide variant.
Coding change: c.334T>C on transcript NM_198994.3 (MANE Select); coding-DNA position 334, T replaced by C.
Protein change: p.Tyr112His; replaces tyrosine 112 with histidine.
Molecular consequence: missense variant.
Genome position (GRCh38, 1-based): chr20:2,395,346, T>C. VCF-style: chr20-2395346-T-C. GRCh37 (hg19) VCF-style: chr20-2375992-T-C.
Other names: c.334T>C, p.Tyr112His (NM_001254734.2); short protein forms Y112H.
Identifiers: ClinVar variation 1960416 (VCV001960416.5), dbSNP rs2084657402, ClinGen allele CA408009301.
Genomic context (GRCh38, chr20:2,395,346, plus strand): 5'-CAGATGGAGAAAACTCTGACCGTCAGTCTCGCCAGCCCTCCCAGTGCTGTCATTGGCCGC[T>C]ACCTGCTGAGCATCAGGCTTTCCTCTCACCGCAAACACAGCAACCGGAGGCTGGGCGAGT-3'
Protein context (NP_945345.2, residues 102-122): ASPPSAVIGR[Tyr112His]LLSIRLSSHR

ClinVar aggregate classification (germline): Uncertain significance (1 of 4 stars; one submission).

Allele frequency attached by ClinVar (database versions not stated): TOPMed below 0.00001.
gnomAD v4.1: 3 of 1,614,236 alleles (0.00019%); highest among the groups gnomAD compares: Non-Finnish European, 0.00025%; no homozygotes.

Submission:

Labcorp Genetics (formerly Invitae), Labcorp
Classification: Uncertain significance. Last evaluated: 2022-03-01. Review status: criteria provided, single submitter. Criteria: Invitae Variant Classification Sherloc (09022015). Collection method: clinical testing. Allele origin: germline.
Comment: In summary, the available evidence is currently insufficient to determine the role of this variant in disease. Therefore, it has been classified as a Variant of Uncertain Significance. Algorithms developed to predict the effect of missense changes on protein structure and function (SIFT, PolyPhen-2, Align-GVGD) all suggest that this variant is likely to be disruptive. This variant has not been reported in the literature in individuals affected with TGM6-related conditions. This variant is not present in population databases (gnomAD no frequency). This sequence change replaces tyrosine, which is neutral and polar, with histidine, which is basic and polar, at codon 112 of the TGM6 protein (p.Tyr112His).